The following is an entry in ClinVar:

NM_004064.5(CDKN1B):c.408T>G (p.Asp136Glu)

Gene: CDKN1B (cyclin dependent kinase inhibitor 1B; plus strand). Cytogenetic location: 12p13.1.
Variant type: single nucleotide variant.
Coding change: c.408T>G on transcript NM_004064.5 (MANE Select); coding-DNA position 408, T replaced by G.
Protein change: p.Asp136Glu; replaces aspartic acid 136 with glutamic acid.
Molecular consequence: missense variant.
Genome position (GRCh38, 1-based): chr12:12,718,247, T>G. VCF-style: chr12-12718247-T-G. GRCh37 (hg19) VCF-style: chr12-12871181-T-G.
Other names: c.408T>G (NM_004064.3); short protein forms D136E.
Identifiers: ClinVar variation 656633 (VCV000656633.11), dbSNP rs1361482047, ClinGen allele CA383970648.

ClinVar aggregate classification (germline): Uncertain significance. Review status: criteria provided, multiple submitters, no conflicts (2 of 4 stars). 2 submissions from 2 submitters: Uncertain significance (2). Last evaluated 2025-10-11.

Conditions:
Hereditary cancer-predisposing syndrome. Also called: Neoplastic Syndromes, Hereditary; Hereditary neoplastic syndrome; Hereditary Cancer Syndrome; Tumor predisposition. Identifiers: Orphanet 140162, MedGen C0027672, MeSH D009386, MONDO:0015356.
Multiple endocrine neoplasia type 4. Also called: MULTIPLE ENDOCRINE NEOPLASIA, TYPE IV. Identifiers: Orphanet 276152, MedGen C1970712, MONDO:0012552, OMIM 610755.

Allele frequency attached by ClinVar (database versions not stated): TOPMed below 0.00001.
gnomAD v4.1: 1 of 1,610,804 alleles (0.000062%); no homozygotes.

Submissions (2):

Ambry Genetics
Classification: Uncertain significance for Hereditary cancer-predisposing syndrome. Last evaluated: 2025-10-11. Review status: criteria provided, single submitter. Criteria: Ambry Variant Classification Scheme 2023. Collection method: clinical testing. Allele origin: germline.
Comment: The p.D136E variant (also known as c.408T>G), located in coding exon 1 of the CDKN1B gene, results from a T to G substitution at nucleotide position 408. The aspartic acid at codon 136 is replaced by glutamic acid, an amino acid with highly similar properties. This amino acid position is conserved. In addition, this alteration is predicted to be tolerated by in silico analysis. Since supporting evidence is limited at this time, the clinical significance of this alteration remains unclear.

Labcorp Genetics (formerly Invitae), Labcorp
Classification: Uncertain significance for Multiple endocrine neoplasia type 4. Last evaluated: 2025-09-04. Review status: criteria provided, single submitter. Criteria: Invitae Variant Classification Sherloc (09022015). Collection method: clinical testing. Allele origin: germline.
Comment: This sequence change replaces aspartic acid, which is acidic and polar, with glutamic acid, which is acidic and polar, at codon 136 of the CDKN1B protein (p.Asp136Glu). This variant is not present in population databases (gnomAD no frequency). This variant has not been reported in the literature in individuals affected with CDKN1B-related conditions. ClinVar contains an entry for this variant (Variation ID: 656633). An algorithm developed to predict the effect of missense changes on protein structure and function outputs the following: PolyPhen-2: "Benign". The glutamic acid amino acid residue is found in multiple mammalian species, which suggests that this missense change does not adversely affect protein function. In summary, the available evidence is currently insufficient to determine the role of this variant in disease. Therefore, it has been classified as a Variant of Uncertain Significance.